The following is an entry in ClinVar:

NM_003718.5(CDK13):c.950del (p.Ser317fs)

Gene: CDK13 (cyclin dependent kinase 13; plus strand). Cytogenetic location: 7p14.1.
Variant type: Deletion.
Coding change: c.950del on transcript NM_003718.5 (MANE Select); coding-DNA position 950, one base deleted (G; older notation c.950delG).
Protein change: p.Ser317fs; shifts the reading frame from serine 317.
Molecular consequence: frameshift variant.
Genome position (GRCh38, 1-based): chr7:39,951,591, G deleted. VCF-style (leftmost placement, unchanged base first): chr7-39951590-AG-A. GRCh37 (hg19) VCF-style: chr7-39991189-AG-A.
Other names: c.950delG, p.Ser317Thrfs (NM_031267.4); short protein forms S317fs.
Identifiers: ClinVar variation 2744414 (VCV002744414.3), dbSNP rs2483675974, ClinGen allele CA2697557216.
Genomic context (GRCh38, chr7:39,951,590, plus strand): 5'-CCCAAGGCCTACCGGGAGGACAAGACCGAGCCTAAGGCCTACAGGCGGCGGCGGTCCCTC[AG>A]CCCACTGGGAGGCCGGGACGACAGCCCGGTGTCCCACAGGGCCTCTCAGAGCCTGAGGAG-3'

ClinVar aggregate classification (germline): Pathogenic (1 of 4 stars; one submission).

Submission:

Labcorp Genetics (formerly Invitae), Labcorp
Classification: Pathogenic. Last evaluated: 2023-07-17. Review status: criteria provided, single submitter. Criteria: Invitae Variant Classification Sherloc (09022015). Collection method: clinical testing. Allele origin: germline.
Comment: This sequence change creates a premature translational stop signal (p.Ser317Thrfs*19) in the CDK13 gene. It is expected to result in an absent or disrupted protein product. Loss-of-function variants in CDK13 are known to be pathogenic (PMID: 27479907, 29021403, 29393965). This variant is not present in population databases (gnomAD no frequency). This variant has not been reported in the literature in individuals affected with CDK13-related conditions. For these reasons, this variant has been classified as Pathogenic.

Literature cited by the submitters: PubMed 27479907; PubMed 29021403; PubMed 29393965.